The following is an entry in ClinVar:

NM_031407.7(HUWE1):c.11093G>A (p.Arg3698Gln)

Gene: HUWE1 (HECT, UBA and WWE domain containing E3 ubiquitin protein ligase 1; minus strand). Cytogenetic location: Xp11.22.
Variant type: single nucleotide variant.
Coding change: c.11093G>A on transcript NM_031407.7 (MANE Select); coding-DNA position 11093, G replaced by A.
Protein change: p.Arg3698Gln; replaces arginine 3698 with glutamine.
Molecular consequence: missense variant.
Genome position (GRCh38, 1-based): chrX:53,544,718, C>T on the plus strand (G>A on the coding strand, the complement: HUWE1 is on the minus strand). VCF-style: chrX-53544718-C-T. GRCh37 (hg19) VCF-style: chrX-53571679-C-T.
Other names: short protein forms R3698Q.
Identifiers: ClinVar variation 3362135 (VCV003362135.1).
Genomic context (GRCh38, chrX:53,544,718, plus strand): 5'-GATGTCTTGGATGTCAACATGGACATAGAAGGCAGCTGGAGCTCCCGGCCACCCAAAGGT[C>T]GCTTCTGAGATGCCACAATTACCACATTCTCAGCCATGTCAAACCTGGATAGTGTAGAGG-3'
Protein context (NP_113584.3, residues 3688-3708): ENVVIVASQK[Arg3698Gln]PLGGRELQLP

ClinVar aggregate classification (germline): Uncertain significance (1 of 4 stars; one submission).

Submission:

GeneDx
Classification: Uncertain significance. Last evaluated: 2023-05-25. Review status: criteria provided, single submitter. Criteria: GeneDx Variant Classification Process June 2021. Collection method: clinical testing. Allele origin: germline. Affected: yes.
Comment: Not observed at significant frequency in large population cohorts (gnomAD); In silico analysis supports that this missense variant does not alter protein structure/function; Has not been previously published as pathogenic or benign to our knowledge